The following is an entry in ClinVar:

NM_005359.6(SMAD4):c.1059C>G (p.Tyr353Ter)

Gene: SMAD4 (SMAD family member 4; plus strand). Cytogenetic location: 18q21.2.
Variant type: single nucleotide variant.
Coding change: c.1059C>G on transcript NM_005359.6 (MANE Select); coding-DNA position 1059, C replaced by G.
Protein change: p.Tyr353Ter; replaces tyrosine 353 with a stop codon.
Molecular consequence: nonsense.
Genome position (GRCh38, 1-based): chr18:51,065,526, C>G. VCF-style: chr18-51065526-C-G. GRCh37 (hg19) VCF-style: chr18-48591896-C-G.
Other names: short protein forms Y353*.
Identifiers: ClinVar variation 492740 (VCV000492740.8), dbSNP rs863224400, ClinGen allele CA402464300.

ClinVar aggregate classification (germline): Pathogenic/Likely pathogenic. Review status: criteria provided, multiple submitters, no conflicts (2 of 4 stars). 3 submissions from 3 submitters: Pathogenic (1); Likely pathogenic (1). 1 of the submissions does not count toward it. Last evaluated 2023-03-30.

Conditions:
Familial thoracic aortic aneurysm and aortic dissection (TAAD). Also called: Thoracic aortic aneurysms and dissections. Identifiers: Orphanet 91387, MedGen C4707243, MONDO:0019625.
Hereditary cancer-predisposing syndrome. Also called: Hereditary neoplastic syndrome; Tumor predisposition; Hereditary Cancer Syndrome; Neoplastic Syndromes, Hereditary. Identifiers: Orphanet 140162, MedGen C0027672, MeSH D009386, MONDO:0015356.

Submissions (3):

Quest Diagnostics Nichols Institute San Juan Capistrano
Classification: Likely pathogenic. Last evaluated: 2023-03-30. Review status: criteria provided, single submitter. Criteria: Quest Diagnostics criteria. Collection method: clinical testing. Allele origin: unknown.
Comment: This nonsense variant is predicted to cause the premature termination of SMAD4 protein synthesis. The variant has not been reported in individuals with SMAD4-related diseases in the published literature. It also has not been reported in large, multi-ethnic general populations. Based on the available information, this variant is classified as likely pathogenic.

Ambry Genetics
Classification: Pathogenic for Hereditary cancer-predisposing syndrome; Familial thoracic aortic aneurysm and aortic dissection. Last evaluated: 2021-09-30. Review status: criteria provided, single submitter. Criteria: Ambry Variant Classification Scheme 2023. Collection method: clinical testing. Allele origin: germline.
Comment: The p.Y353* pathogenic mutation (also known as c.1059C>G), located in coding exon 8 of the SMAD4 gene, results from a C to G substitution at nucleotide position 1059. This changes the amino acid from a tyrosine to a stop codon within coding exon 8. This variant is considered to be rare based on population cohorts in the Genome Aggregation Database (gnomAD). This alteration is expected to result in loss of function by premature protein truncation or nonsense-mediated mRNA decay. As such, this alteration is interpreted as a disease-causing mutation.

Mayo Clinic Laboratories, Mayo Clinic
Classification: Likely pathogenic. Review status: no assertion criteria provided. Collection method: clinical testing. Allele origin: unknown. Not counted in ClinVar's aggregate classification.